The following is an entry in ClinVar:

ClinVar aggregate classification (germline): Conflicting classifications of pathogenicity. Review status: criteria provided, conflicting classifications (1 of 4 stars). 4 submissions from 4 submitters: Uncertain significance (1); Likely benign (1). 2 of the submissions do not count toward it. Last evaluated 2022-12-06.

Conditions:
Joubert syndrome. Also called: Familial aplasia of the vermis; JOUBERT-BOLTSHAUSER SYNDROME. Identifiers: Orphanet 475, MedGen C5979921, MONDO:0018772.
Meckel-Gruber syndrome. Also called: Dysencephalia splachnocystica; DYSENCEPHALIA SPLANCHNOCYSTICA; GRUBER SYNDROME. Identifiers: Orphanet 564, MedGen C0265215, MONDO:0018921.
Retinal dystrophy. Also called: Inherited retinal dystrophy. Identifiers: Orphanet 71862, MedGen C0854723, MeSH D058499, MONDO:0019118, HP:0000556.
RPGRIP1L-related disorder. Also called: RPGRIP1L-related condition; RPGRIP1L-related disorders. Identifiers: MedGen CN239416.

gnomAD v4.1: 4 of 1,613,190 alleles (0.00025%); highest among the groups gnomAD compares: Non-Finnish European, 0.00034%; no homozygotes.

Submissions (4):

Labcorp Genetics (formerly Invitae), Labcorp
Classification: Likely benign for Joubert syndrome; Meckel-Gruber syndrome. Last evaluated: 2022-12-06. Review status: criteria provided, single submitter. Criteria: Invitae Variant Classification Sherloc (09022015). Collection method: clinical testing. Allele origin: germline.

CeGaT Center for Human Genetics Tuebingen
Classification: Uncertain significance. Last evaluated: 2016-07-01. Review status: criteria provided, single submitter. Criteria: CeGaT Center For Human Genetics Tuebingen Variant Classification Criteria Version 2. Collection method: clinical testing. Allele origin: germline. Affected: yes. Observed: 1 variant allele.

PreventionGenetics, part of Exact Sciences
Classification: Likely benign for RPGRIP1L-related condition. Last evaluated: 2024-03-20. Review status: no assertion criteria provided. Collection method: clinical testing. Allele origin: germline. Not counted in ClinVar's aggregate classification.
Comment: This variant is classified as likely benign based on ACMG/AMP sequence variant interpretation guidelines (Richards et al. 2015 PMID: 25741868, with internal and published modifications).

Institute of Human Genetics, Univ. Regensburg, Univ. Regensburg
Classification: Uncertain significance for Retinal dystrophy. Last evaluated: 2023-01-01. Review status: no assertion criteria provided. Criteria: ACMG Guidelines, 2015. Collection method: clinical testing. Allele origin: germline. Affected: yes. Not counted in ClinVar's aggregate classification.

NM_015272.5(RPGRIP1L):c.3448C>A (p.Arg1150=)

Gene: RPGRIP1L (RPGRIP1 like; minus strand). Cytogenetic location: 16q12.2.
Variant type: single nucleotide variant.
Coding change: c.3448C>A on transcript NM_015272.5 (MANE Select); coding-DNA position 3448, C replaced by A.
Protein change: p.Arg1150=; no amino-acid change (arginine 1150 retained).
Molecular consequence: synonymous variant.
Genome position (GRCh38, 1-based): chr16:53,619,193, G>T on the plus strand (C>A on the coding strand, the complement: RPGRIP1L is on the minus strand). VCF-style: chr16-53619193-G-T. GRCh37 (hg19) VCF-style: chr16-53653105-G-T.
Other names: c.3208C>A, p.Arg1070= (NM_001127897.4); c.3310C>A, p.Arg1104= (NM_001308334.3); c.3346C>A, p.Arg1116= (NM_001330538.2); c.3448C>A (NM_015272.4).
Identifiers: ClinVar variation 810705 (VCV000810705.45), dbSNP rs750930363, ClinGen allele CA8057282.